The following is an entry in ClinVar:

NM_006019.4(TCIRG1):c.1277G>A (p.Arg426Gln)

Gene: TCIRG1 (T cell immune regulator 1, ATPase H+ transporting V0 subunit a3; plus strand). Cytogenetic location: 11q13.2.
Variant type: single nucleotide variant.
Coding change: c.1277G>A on transcript NM_006019.4 (MANE Select); coding-DNA position 1277, G replaced by A.
Protein change: p.Arg426Gln; replaces arginine 426 with glutamine.
Molecular consequence: missense variant.
Genome position (GRCh38, 1-based): chr11:68,047,544, G>A. VCF-style: chr11-68047544-G-A. GRCh37 (hg19) VCF-style: chr11-67815011-G-A.
Other names: c.383G>A, p.Arg128Gln (NM_001351059.2); c.629G>A, p.Arg210Gln (NM_006053.4); short protein forms R426Q, R128Q, R210Q.
Identifiers: ClinVar variation 1345726 (VCV001345726.6), dbSNP rs778516218, ClinGen allele CA6147037.

ClinVar aggregate classification (germline): Uncertain significance (1 of 4 stars; one submission).

Allele frequency attached by ClinVar (database versions not stated): TOPMed 0.00001; gnomAD exomes below 0.00001; gnomAD 0.00002; ExAC 0.00001.
gnomAD v4.1: 26 of 1,613,772 alleles (0.0016%); highest among the groups gnomAD compares: Admixed American, 0.005%; no homozygotes.

Submission:

Labcorp Genetics (formerly Invitae), Labcorp
Classification: Uncertain significance. Last evaluated: 2024-10-16. Review status: criteria provided, single submitter. Criteria: Invitae Variant Classification Sherloc (09022015). Collection method: clinical testing. Allele origin: germline.
Comment: This sequence change replaces arginine, which is basic and polar, with glutamine, which is neutral and polar, at codon 426 of the TCIRG1 protein (p.Arg426Gln). This variant is present in population databases (rs778516218, gnomAD 0.006%). This variant has not been reported in the literature in individuals affected with TCIRG1-related conditions. ClinVar contains an entry for this variant (Variation ID: 1345726). Invitae Evidence Modeling of protein sequence and biophysical properties (such as structural, functional, and spatial information, amino acid conservation, physicochemical variation, residue mobility, and thermodynamic stability) indicates that this missense variant is not expected to disrupt TCIRG1 protein function with a negative predictive value of 80%. In summary, the available evidence is currently insufficient to determine the role of this variant in disease. Therefore, it has been classified as a Variant of Uncertain Significance.